The following is an entry in ClinVar:

NC_000013.11:g.48303694C>A

Genes: RB1 (RB transcriptional corepressor 1; plus strand), RB1-DT (RB1 divergent transcript; minus strand). Cytogenetic location: 13q14.2.
Variant type: single nucleotide variant.
Molecular consequence: non-coding transcript variant (on NR_046414.2).
Genome position: GRCh38 VCF-style: chr13-48303694-C-A. GRCh37 (hg19) VCF-style: chr13-48877830-C-A.
Identifiers: ClinVar variation 3681340 (VCV003681340.2).

ClinVar aggregate classification (germline): Uncertain significance (1 of 4 stars; one submission).

Conditions:
Retinoblastoma (RB1). Also called: RETINOBLASTOMA, SOMATIC. Identifiers: Orphanet 790, MedGen C0035335, MeSH D012175, MONDO:0008380, OMIM 180200, HP:0009919. Disease mechanism: loss of function. Inheritance: Both sporadic and heritable forms are tested..

Submission:

Labcorp Genetics (formerly Invitae), Labcorp
Classification: Uncertain significance for Retinoblastoma. Last evaluated: 2024-08-19. Review status: criteria provided, single submitter. Criteria: Invitae Variant Classification Sherloc (09022015). Collection method: clinical testing. Allele origin: germline.
Comment: This variant occurs in a non-coding region of the RB1 gene. It does not change the encoded amino acid sequence of the RB1 protein. This variant is not present in population databases (gnomAD no frequency). This variant has not been reported in the literature in individuals affected with RB1-related conditions. Experimental studies and prediction algorithms are not available or were not evaluated, and the functional significance of this variant is currently unknown. In summary, the available evidence is currently insufficient to determine the role of this variant in disease. Therefore, it has been classified as a Variant of Uncertain Significance.